The following is an entry in ClinVar:

NM_016580.4(PCDH12):c.2713G>A (p.Ala905Thr)

Genes: PCDH12 (protocadherin 12; minus strand), RNF14 (ring finger protein 14; plus strand). Cytogenetic location: 5q31.3.
Variant type: single nucleotide variant.
Coding change: c.2713G>A on transcript NM_016580.4 (MANE Select); coding-DNA position 2713, G replaced by A.
Protein change: p.Ala905Thr; replaces alanine 905 with threonine.
Molecular consequence: missense variant.
Genome position (GRCh38, 1-based): chr5:141,955,139, C>T on the plus strand (G>A on the coding strand, the complement: PCDH12 is on the minus strand). VCF-style: chr5-141955139-C-T. GRCh37 (hg19) VCF-style: chr5-141334704-C-T.
Other names: short protein forms A905T.
Identifiers: ClinVar variation 2085519 (VCV002085519.3), dbSNP rs147558478, ClinGen allele CA3484153.

ClinVar aggregate classification (germline): Uncertain significance. Review status: criteria provided, multiple submitters, no conflicts (2 of 4 stars). 2 submissions from 2 submitters: Uncertain significance (2). Last evaluated 2024-12-16.

Conditions:
Inborn genetic diseases. Identifiers: MedGen C0950123, MeSH D030342.

Allele frequency attached by ClinVar (database versions not stated): ExAC 0.00001; gnomAD 0.00001; TOPMed 0.00001; gnomAD exomes 0.00002; ESP Exome Variant Server 0.00008.
gnomAD v4.1: 36 of 1,614,124 alleles (0.0022%); highest among the groups gnomAD compares: Non-Finnish European, 0.003%; no homozygotes.

Submissions (2):

Ambry Genetics
Classification: Uncertain significance for Inborn genetic diseases. Last evaluated: 2024-12-16. Review status: criteria provided, single submitter. Criteria: Ambry Variant Classification Scheme 2023. Collection method: clinical testing. Allele origin: germline.

Labcorp Genetics (formerly Invitae), Labcorp
Classification: Uncertain significance. Last evaluated: 2022-08-21. Review status: criteria provided, single submitter. Criteria: Invitae Variant Classification Sherloc (09022015). Collection method: clinical testing. Allele origin: germline.
Comment: This sequence change replaces alanine, which is neutral and non-polar, with threonine, which is neutral and polar, at codon 905 of the PCDH12 protein (p.Ala905Thr). This variant is not present in population databases (gnomAD no frequency). This variant has not been reported in the literature in individuals affected with PCDH12-related conditions. Advanced modeling of protein sequence and biophysical properties (such as structural, functional, and spatial information, amino acid conservation, physicochemical variation, residue mobility, and thermodynamic stability) performed at Invitae indicates that this missense variant is not expected to disrupt PCDH12 protein function. In summary, the available evidence is currently insufficient to determine the role of this variant in disease. Therefore, it has been classified as a Variant of Uncertain Significance.